The following is an entry in ClinVar:

ClinVar aggregate classification (germline): Likely pathogenic. Review status: criteria provided, multiple submitters, no conflicts (2 of 4 stars). 4 submissions from 4 submitters: Likely pathogenic (3). 1 of the submissions does not count toward it. Last evaluated 2025-12-01.

Conditions:
Lysinuric protein intolerance (LPI). Identifiers: Orphanet 470, MedGen C0268647, MONDO:0009109, OMIM 222700.

Allele frequency attached by ClinVar (database versions not stated): gnomAD exomes below 0.00001; ExAC 0.00001; TOPMed 0.00001; gnomAD 0.00002.
gnomAD v4.1: 5 of 1,614,002 alleles (0.00031%); highest among the groups gnomAD compares: African/African-American, 0.0067%; no homozygotes.

Submissions (4):

Labcorp Genetics (formerly Invitae), Labcorp
Classification: Likely pathogenic for Lysinuric protein intolerance. Last evaluated: 2025-12-01. Review status: criteria provided, single submitter. Criteria: Invitae Variant Classification Sherloc (09022015). Collection method: clinical testing. Allele origin: germline.
Comment: This sequence change replaces leucine, which is neutral and non-polar, with proline, which is neutral and non-polar, at codon 124 of the SLC7A7 protein (p.Leu124Pro). This variant is present in population databases (rs386833814, gnomAD 0.008%). This missense change has been observed in individual(s) with lysinuric protein intolerance (PMID: 18716612). In at least one individual the data is consistent with being in trans (on the opposite chromosome) from a pathogenic variant. It has also been observed to segregate with disease in related individuals. ClinVar contains an entry for this variant (Variation ID: 56366). An algorithm developed to predict the effect of missense changes on protein structure and function (PolyPhen-2) suggests that this variant is likely to be disruptive. In summary, the currently available evidence indicates that the variant is pathogenic, but additional data are needed to prove that conclusively. Therefore, this variant has been classified as Likely Pathogenic.

Natera, Inc.
Classification: Likely pathogenic for Lysinuric protein intolerance. Last evaluated: 2025-10-20. Review status: criteria provided, single submitter. Criteria: Natera Variant Classification Schema (03/2026). Collection method: clinical testing. Allele origin: germline.
Comment: The c.371T>C variant in SLC7A7 is a missense variant predicted to cause substitution of leucine to proline at amino acid 124. This variant is rare in the general population with a frequency below the threshold expected for the associated phenotype(s). This variant has been observed in one or more individuals affected with the associated recessive disease, as either homozygous or compound heterozygous with a second variant (PMID: 18716612). Additionally, this variant has been observed to segregate in affected family members (PMID: 18716612). Computational prediction algorithms indicate this variant is likely to affect gene or protein function. Given the available evidence, this variant is classified as Likely Pathogenic.

Women's Health and Genetics/Laboratory Corporation of America, LabCorp
Classification: Likely pathogenic for Lysinuric protein intolerance. Last evaluated: 2025-09-18. Review status: criteria provided, single submitter. Criteria: LabCorp Variant Classification Summary - May 2015. Collection method: clinical testing. Allele origin: germline.
Comment: Variant summary: SLC7A7 c.371T>C (p.Leu124Pro) results in a non-conservative amino acid change located in the Transmembrane domain III (Font-Llitjos_2009) of the encoded protein sequence. Algorithms developed to predict the effect of missense changes on protein structure and function all suggest that this variant is likely to be disruptive. The variant allele was found at a frequency of 4e-06 in 249920 control chromosomes (gnomAD). c.371T>C has been reported in the literature in at-least three individuals affected with Lysinuric Protein Intolerance (example Sperandeo_2008, Font-Llitjos_2009) and has been subsequently cited by others (example, Zhang_2017, Martinelli_2020, Wang_2024). These data indicate that the variant is likely to be associated with disease. To our knowledge, no experimental evidence demonstrating an impact on protein function has been reported. The following publications have been ascertained in the context of this evaluation (PMID: 40106545, 18716612, 32249831, 17764084, 38444501, 29058386). ClinVar contains an entry for this variant (Variation ID: 56366). Based on the evidence outlined above, the variant was classified as likely pathogenic.

Juha Muilu Group; Institute for Molecular Medicine Finland (FIMM)
Classification: Likely pathogenic for Lysinuric protein intolerance. Review status: no assertion criteria provided. Collection method: not provided. Allele origin: unknown. Not counted in ClinVar's aggregate classification.
Comment: FinDis database variant: This variant was not found or characterized by our laboratory, data were collected from public sources: see reference
ClinVar note: Converted during submission from probable-pathogenic to Likely pathogenic.

Literature cited by the submitters: PubMed 18716612 (cited by 3 submitters); PubMed 32249831 (cited by Women's Health and Genetics/Laboratory Corporation of America, LabCorp); PubMed 17764084 (cited by Women's Health and Genetics/Laboratory Corporation of America, LabCorp); PubMed 29058386 (cited by Women's Health and Genetics/Laboratory Corporation of America, LabCorp); PubMed 40106545 (cited by Women's Health and Genetics/Laboratory Corporation of America, LabCorp); PubMed 38444501 (cited by Women's Health and Genetics/Laboratory Corporation of America, LabCorp).

NM_003982.4(SLC7A7):c.371T>C (p.Leu124Pro)

Gene: SLC7A7 (solute carrier family 7 member 7; minus strand). Cytogenetic location: 14q11.2.
Variant type: single nucleotide variant.
Coding change: c.371T>C on transcript NM_003982.4 (MANE Select); coding-DNA position 371, T replaced by C.
Protein change: p.Leu124Pro; replaces leucine 124 with proline.
Molecular consequence: missense variant.
Genome position (GRCh38, 1-based): chr14:22,813,028, A>G on the plus strand (T>C on the coding strand, the complement: SLC7A7 is on the minus strand). VCF-style: chr14-22813028-A-G. GRCh37 (hg19) VCF-style: chr14-23282237-A-G.
Other names: c.371T>C (NM_001126106.2); c.371T>C, p.Leu124Pro (NM_001126105.3, NM_001126106.4); short protein forms L124P.
Identifiers: ClinVar variation 56366 (VCV000056366.10), dbSNP rs386833814, ClinGen allele CA263811.